The following is an entry in ClinVar:

ClinVar aggregate classification (germline): Uncertain significance. Review status: criteria provided, multiple submitters, no conflicts (2 of 4 stars). 2 submissions from 2 submitters: Uncertain significance (2). Last evaluated 2022-03-15.

Conditions:
Neuronal ceroid lipofuscinosis. Also called: Neuronal Ceroid Lipofuscinoses. Identifiers: Orphanet 216, Orphanet 79263, MedGen C0027877, MONDO:0016295. Disease mechanism: loss of function.

Submissions (2):

Labcorp Genetics (formerly Invitae), Labcorp
Classification: Uncertain significance for Neuronal ceroid lipofuscinosis. Last evaluated: 2022-03-15. Review status: criteria provided, single submitter. Criteria: Invitae Variant Classification Sherloc (09022015). Collection method: clinical testing. Allele origin: germline.
Comment: This sequence change replaces histidine, which is basic and polar, with glutamine, which is neutral and polar, at codon 210 of the CLN8 protein (p.His210Gln). This variant is not present in population databases (gnomAD no frequency). This variant has not been reported in the literature in individuals affected with CLN8-related conditions. Algorithms developed to predict the effect of missense changes on protein structure and function are either unavailable or do not agree on the potential impact of this missense change (SIFT: "Deleterious"; PolyPhen-2: "Probably Damaging"; Align-GVGD: "Class C0"). Algorithms developed to predict the effect of sequence changes on RNA splicing suggest that this variant may create or strengthen a splice site. In summary, the available evidence is currently insufficient to determine the role of this variant in disease. Therefore, it has been classified as a Variant of Uncertain Significance.

Breakthrough Genomics
Classification: Uncertain significance. Review status: criteria provided, single submitter. Criteria: ACMG Guidelines, 2015. Collection method: not provided. Allele origin: germline. Inheritance: Autosomal recessive inheritance. Affected: yes.

NM_018941.4(CLN8):c.630C>G (p.His210Gln)

Gene: CLN8 (CLN8 transmembrane ER and ERGIC protein; plus strand). Cytogenetic location: 8p23.3.
Variant type: single nucleotide variant.
Coding change: c.630C>G on transcript NM_018941.4 (MANE Select); coding-DNA position 630, C replaced by G.
Protein change: p.His210Gln; replaces histidine 210 with glutamine.
Molecular consequence: missense variant.
Genome position (GRCh38, 1-based): chr8:1,780,336, C>G. VCF-style: chr8-1780336-C-G. GRCh37 (hg19) VCF-style: chr8-1728502-C-G.
Other names: short protein forms H210Q.
Identifiers: ClinVar variation 2165450 (VCV002165450.2), dbSNP rs1554451522, ClinGen allele CA369953990.